The following is an entry in ClinVar:

ClinVar aggregate classification (germline): Pathogenic (1 of 4 stars; one submission).

Conditions:
Hereditary antithrombin deficiency (AT3D). Also called: Thrombophilia due to antithrombin III deficiency; Antithrombin III deficiency; Reduced antithrombin III activity; Antithrombin deficiency. Identifiers: Orphanet 82, MedGen C0272375, MONDO:0013144, OMIM 613118, HP:0001976.

Submission:

Labcorp Genetics (formerly Invitae), Labcorp
Classification: Pathogenic for Hereditary antithrombin deficiency. Last evaluated: 2026-01-27. Review status: criteria provided, single submitter. Criteria: Invitae Variant Classification Sherloc (09022015). Collection method: clinical testing. Allele origin: germline.
Comment: This sequence change affects the initiator codon of the SERPINC1 mRNA. This change may impact translation initiation or efficiency. The next in-frame methionine is located at codon 49. This variant is not present in population databases (gnomAD no frequency). Disruption of the initiator codon has been observed in individual(s) with antithrombin deficiency (PMID: 12894857, 30237862, 33725558, 37976729). It has also been observed to segregate with disease in related individuals. Algorithms developed to predict the effect of variants on gene product structure and function are not available or were not evaluated for this variant. Experimental studies have shown that disruption of the initiator codon affects SERPINC1 function (PMID: 30237862). For these reasons, this variant has been classified as Pathogenic.

Literature cited by the submitters: PubMed 12894857; PubMed 30237862; PubMed 33725558; PubMed 37976729.

NM_000488.4(SERPINC1):c.1A>G (p.Met1Val)

Gene: SERPINC1 (serpin family C member 1; minus strand). Cytogenetic location: 1q25.1.
Variant type: single nucleotide variant.
Coding change: c.1A>G on transcript NM_000488.4 (MANE Select); coding-DNA position 1, A replaced by G.
Protein change: p.Met1Val; changes the start codon (methionine 1).
Molecular consequence: missense variant, initiator codon variant. On other transcripts: 5 prime UTR variant (1).
Genome position (GRCh38, 1-based): chr1:173,917,259, T>C on the plus strand (A>G on the coding strand, the complement: SERPINC1 is on the minus strand). VCF-style: chr1-173917259-T-C. GRCh37 (hg19) VCF-style: chr1-173886397-T-C.
Other names: c.-313A>G (NM_001365052.2); c.1A>G, p.Met1Val (NM_001386302.1, NM_001386303.1, NM_001386304.1 and 2 more transcripts); short protein forms M1V.
Identifiers: ClinVar variation 4704603 (VCV004704603.1).